The following is an entry in ClinVar:

ClinVar aggregate classification (germline): Uncertain significance. Review status: criteria provided, multiple submitters, no conflicts (2 of 4 stars). 2 submissions from 2 submitters: Uncertain significance (2). Last evaluated 2023-12-08.

Allele frequency attached by ClinVar (database versions not stated): ESP Exome Variant Server 0.00008; gnomAD exomes 0.00015 and 0.00016; gnomAD 0.00013 and 0.00014; TOPMed 0.00012; ExAC 0.00019.
gnomAD v4.1: 259 of 1,614,118 alleles (0.016%); highest among the groups gnomAD compares: Non-Finnish European, 0.02%; no homozygotes.

Submissions (3):

Women's Health and Genetics/Laboratory Corporation of America, LabCorp
Classification: Uncertain significance. Last evaluated: 2023-12-08. Review status: criteria provided, single submitter. Criteria: LabCorp Variant Classification Summary - May 2015. Collection method: clinical testing. Allele origin: germline.
Comment: Variant summary: HPS4 c.1621A>G (p.Met541Val) results in a conservative amino acid change in the encoded protein sequence. Four of five in-silico tools predict a benign effect of the variant on protein function. The variant allele was found at a frequency of 0.00015 in 251410 control chromosomes. This frequency is not significantly higher than estimated for a pathogenic variant in HPS4 causing Hermansky-Pudlak Syndrome (0.00015 vs 0.00052), allowing no conclusion about variant significance. To our knowledge, no occurrence of c.1621A>G in individuals affected with Hermansky-Pudlak Syndrome and no experimental evidence demonstrating its impact on protein function have been reported. One submitter has cited clinical-significance assessments for this variant to ClinVar after 2014 and has classified the variant as uncertain significance. Based on the evidence outlined above, the variant was classified as uncertain significance.

Labcorp Genetics (formerly Invitae), Labcorp
Classification: Uncertain significance. Last evaluated: 2022-04-25. Review status: criteria provided, single submitter. Criteria: Invitae Variant Classification Sherloc (09022015). Collection method: clinical testing. Allele origin: germline.
Comment: This sequence change replaces methionine, which is neutral and non-polar, with valine, which is neutral and non-polar, at codon 541 of the HPS4 protein (p.Met541Val). This variant is present in population databases (rs202104505, gnomAD 0.02%). This variant has not been reported in the literature in individuals affected with HPS4-related conditions. Algorithms developed to predict the effect of missense changes on protein structure and function (SIFT, PolyPhen-2, Align-GVGD) all suggest that this variant is likely to be tolerated. Algorithms developed to predict the effect of sequence changes on RNA splicing suggest that this variant may create or strengthen a splice site. In summary, the available evidence is currently insufficient to determine the role of this variant in disease. Therefore, it has been classified as a Variant of Uncertain Significance.

Dr. Peter K. Rogan Lab, Western University
No classification provided (evidence only). Condition: Hepatocellular carcinoma. Review status: no classification provided. Collection method: in vitro. Allele origin: not applicable. Functional consequence: retained intron. Not counted in ClinVar's aggregate classification.

NM_022081.6(HPS4):c.1621A>G (p.Met541Val)

Gene: HPS4 (HPS4 biogenesis of lysosomal organelles complex 3 subunit 2; minus strand). Cytogenetic location: 22q12.1.
Variant type: single nucleotide variant.
Coding change: c.1621A>G on transcript NM_022081.6 (MANE Select); coding-DNA position 1621, A replaced by G.
Protein change: p.Met541Val; replaces methionine 541 with valine.
Molecular consequence: missense variant. On other transcripts: non-coding transcript variant (8).
Genome position (GRCh38, 1-based): chr22:26,464,009, T>C on the plus strand (A>G on the coding strand, the complement: HPS4 is on the minus strand). VCF-style: chr22-26464009-T-C. GRCh37 (hg19) VCF-style: chr22-26859975-T-C.
Other names: c.1621A>G, p.Met541Val (NM_001349896.1, NM_001349898.2, NM_001349899.2 and 4 more transcripts); c.1675A>G, p.Met559Val (NM_001349900.2, NM_001349901.1); c.1606A>G, p.Met536Val (NM_152841.2); short protein forms M541V, M536V, M559V.
Identifiers: ClinVar variation 1382062 (VCV001382062.7), dbSNP rs202104505, ClinGen allele CA10163276.
Genomic context (GRCh38, chr22:26,464,009, plus strand): 5'-GCGGCTCCTCAGCCAGCAGGGACAGCACCAGCCCTTTGACGCAGTGAGTGTAGAGATTCA[T>C]CCTCACGAGCCCCATGCAGGACTCTGCTGGTGTCAGCCTGGAGCTGATTCCATCTGCAGA-3'
Protein context (NP_071364.4, residues 531-551): PAESCMGLVR[Met541Val]NLYTHCVKGL